The following is an entry in ClinVar:

ClinVar aggregate classification (germline): Uncertain significance (1 of 4 stars; one submission).

Submission:

Ambry Genetics
Classification: Uncertain significance. Last evaluated: 2022-03-07. Review status: criteria provided, single submitter. Criteria: Ambry Variant Classification Scheme 2023. Collection method: clinical testing. Allele origin: germline.
Comment: The p.L942I variant (also known as c.2824C>A), located in coding exon 16 of the PALLD gene, results from a C to A substitution at nucleotide position 2824. The leucine at codon 942 is replaced by isoleucine, an amino acid with highly similar properties. This amino acid position is conserved. In addition, this alteration is predicted to be tolerated by in silico analysis. Since supporting evidence is limited at this time, the clinical significance of this alteration remains unclear.

NM_001166108.2(PALLD):c.2875C>A (p.Leu959Ile)

Genes: PALLD (palladin, cytoskeletal associated protein; plus strand), CBR4 (carbonyl reductase 4; minus strand). Cytogenetic location: 4q32.3.
Variant type: single nucleotide variant.
Coding change: c.2875C>A on transcript NM_001166108.2 (MANE Select); coding-DNA position 2875, C replaced by A.
Protein change: p.Leu959Ile; replaces leucine 959 with isoleucine.
Molecular consequence: missense variant.
Genome position (GRCh38, 1-based): chr4:168,921,558, C>A. VCF-style: chr4-168921558-C-A. GRCh37 (hg19) VCF-style: chr4-169842709-C-A.
Other names: c.1678C>A, p.Leu560Ile (NM_001166109.2); c.1363C>A, p.Leu455Ile (NM_001166110.2); c.703C>A, p.Leu235Ile (NM_001367567.1, NM_001367569.1); c.754C>A, p.Leu252Ile (NM_001367568.1, NM_001367570.1); c.2824C>A, p.Leu942Ile (NM_016081.4); short protein forms L235I, L252I, L942I, L455I, L560I, L959I.
Identifiers: ClinVar variation 1796482 (VCV001796482.2), dbSNP rs2534191995, ClinGen allele CA358708377.